The following is an entry in ClinVar:

NM_001388492.1(HTT):c.6951C>T (p.Ala2317=)

Gene: HTT (huntingtin; plus strand). Cytogenetic location: 4p16.3.
Variant type: single nucleotide variant.
Coding change: c.6951C>T on transcript NM_001388492.1 (MANE Select); coding-DNA position 6951, C replaced by T.
Protein change: p.Ala2317=; no amino-acid change (alanine 2317 retained).
Molecular consequence: synonymous variant.
Genome position (GRCh38, 1-based): chr4:3,214,134, C>T. VCF-style: chr4-3214134-C-T. GRCh37 (hg19) VCF-style: chr4-3215861-C-T.
Other names: c.6957C>T, p.Ala2319= (NM_002111.8).
Identifiers: ClinVar variation 1422389 (VCV001422389.8), dbSNP rs376635317, ClinGen allele CA2825186.

ClinVar aggregate classification (germline): Uncertain significance (1 of 4 stars; one submission).

Allele frequency attached by ClinVar (database versions not stated): gnomAD exomes 0.00004 and 0.00011; gnomAD 0.00006 and 0.00007; ESP Exome Variant Server 0.00008; TOPMed 0.00011; ExAC 0.00013.
gnomAD v4.1: 70 of 1,505,252 alleles (0.0047%); highest among the groups gnomAD compares: Admixed American, 0.026%; no homozygotes.

Submission:

Labcorp Genetics (formerly Invitae), Labcorp
Classification: Uncertain significance. Last evaluated: 2021-03-20. Review status: criteria provided, single submitter. Criteria: Invitae Variant Classification Sherloc (09022015). Collection method: clinical testing. Allele origin: germline.
Comment: In summary, the available evidence is currently insufficient to determine the role of this variant in disease. Therefore, it has been classified as a Variant of Uncertain Significance. Experimental studies and prediction algorithms are not available or were not evaluated, and the effect of this variant on mRNA splicing is currently unknown. This variant has not been reported in the literature in individuals with HTT-related conditions. This variant is present in population databases (rs376635317, ExAC 0.04%). This sequence change affects codon 2319 of the HTT mRNA. It is a 'silent' change, meaning that it does not change the encoded amino acid sequence of the HTT protein. It affects a nucleotide within the consensus splice site of the intron.